The following is an entry in ClinVar:

ClinVar aggregate classification (germline): Conflicting classifications of pathogenicity. Review status: criteria provided, conflicting classifications (1 of 4 stars). 2 submissions from 2 submitters: Likely pathogenic (1); Uncertain significance (1). Last evaluated 2021-08-26.

Conditions:
Hereditary spastic paraplegia 3A (SPG3A). Also called: Spastic paraplegia 3A, autosomal dominant; SPASTIC PARAPLEGIA 3, AUTOSOMAL DOMINANT; FAMILIAL SPASTIC PARAPLEGIA, AUTOSOMAL DOMINANT, 1; SPG3; STRUMPELL DISEASE; Spastic Paraplegia 3A. Identifiers: Orphanet 100984, MedGen C2931355, MONDO:0008437, OMIM 182600.

Submissions (2):

Labcorp Genetics (formerly Invitae), Labcorp
Classification: Uncertain significance for Hereditary spastic paraplegia 3A. Last evaluated: 2021-08-26. Review status: criteria provided, single submitter. Criteria: Invitae Variant Classification Sherloc (09022015). Collection method: clinical testing. Allele origin: germline.
Comment: In summary, the available evidence is currently insufficient to determine the role of this variant in disease. Therefore, it has been classified as a Variant of Uncertain Significance. This variant disrupts the p.His256 amino acid residue in ATL1. Other variant(s) that disrupt this residue have been determined to be pathogenic (PMID: 20932283). This suggests that this residue is clinically significant, and that variants that disrupt this residue are likely to be disease-causing. Algorithms developed to predict the effect of missense changes on protein structure and function are either unavailable or do not agree on the potential impact of this missense change (SIFT: "Deleterious"; PolyPhen-2: "Benign"; Align-GVGD: "Class C65"). This variant has been observed in individual(s) with clinical features of autosomal dominant hereditary spastic paraplegia (Invitae). This variant is not present in population databases (ExAC no frequency). This sequence change replaces histidine with aspartic acid at codon 256 of the ATL1 protein (p.His256Asp). The histidine residue is highly conserved and there is a moderate physicochemical difference between histidine and aspartic acid.

GeneDx
Classification: Likely pathogenic. Last evaluated: 2019-05-06. Review status: criteria provided, single submitter. Criteria: GeneDx Variant Classification Process June 2021. Collection method: clinical testing. Allele origin: germline. Affected: yes.
Comment: Has not been previously published as pathogenic or benign to our knowledge; Not observed in large population cohorts (Lek et al., 2016); In silico analysis, which includes protein predictors and evolutionary conservation, supports a deleterious effect

Literature cited by the submitters: PubMed 20932283 (cited by Labcorp Genetics (formerly Invitae), Labcorp).

NM_015915.5(ATL1):c.766C>G (p.His256Asp)

Gene: ATL1 (atlastin GTPase 1; plus strand). Cytogenetic location: 14q22.1.
Variant type: single nucleotide variant.
Coding change: c.766C>G on transcript NM_015915.5 (MANE Select); coding-DNA position 766, C replaced by G.
Protein change: p.His256Asp; replaces histidine 256 with aspartic acid.
Molecular consequence: missense variant.
Genome position (GRCh38, 1-based): chr14:50,614,415, C>G. VCF-style: chr14-50614415-C-G. GRCh37 (hg19) VCF-style: chr14-51081133-C-G.
Other names: c.766C>G, p.His256Asp (NM_001127713.1, NM_181598.4); short protein forms H256D.
Identifiers: ClinVar variation 1203526 (VCV001203526.11), dbSNP rs2140226921, ClinGen allele CA389671610.